The following is an entry in ClinVar:

NM_170784.3(MKKS):c.393C>T (p.Leu131=)

Gene: MKKS (MKKS centrosomal shuttling protein; minus strand). Cytogenetic location: 20p12.2.
Variant type: single nucleotide variant.
Coding change: c.393C>T on transcript NM_170784.3 (MANE Select); coding-DNA position 393, C replaced by T.
Protein change: p.Leu131=; no amino-acid change (leucine 131 retained).
Molecular consequence: synonymous variant.
Genome position (GRCh38, 1-based): chr20:10,413,122, G>A on the plus strand (C>T on the coding strand, the complement: MKKS is on the minus strand). VCF-style: chr20-10413122-G-A. GRCh37 (hg19) VCF-style: chr20-10393770-G-A.
Other names: c.393C>T, p.Leu131= (NM_018848.3).
Identifiers: ClinVar variation 2944451 (VCV002944451.4), dbSNP rs751982863, ClinGen allele CA509815356.

ClinVar aggregate classification (germline): Likely benign. Review status: criteria provided, single submitter (1 of 4 stars). 2 submissions from 2 submitters: Likely benign (1). 1 of the submissions does not count toward it. Last evaluated 2024-10-14.

Conditions:
Bardet-Biedl syndrome (BBS). Identifiers: Orphanet 110, MedGen C0752166, MONDO:0015229.
McKusick-Kaufman syndrome (MKKS). Also called: HYDROMETROCOLPOS SYNDROME; HYDROMETROCOLPOS, POSTAXIAL POLYDACTYLY, AND CONGENITAL HEART MALFORMATION. Identifiers: Orphanet 2473, MedGen C0948368, MONDO:0009367, OMIM 236700.
MKKS-related disorder. Also called: MKKS-related condition; MKKS-related disorders.

gnomAD v4.1: 30 of 1,613,924 alleles (0.0019%); highest among the groups gnomAD compares: Non-Finnish European, 0.0025%; no homozygotes.

Submissions (2):

Labcorp Genetics (formerly Invitae), Labcorp
Classification: Likely benign for McKusick-Kaufman syndrome; Bardet-Biedl syndrome. Last evaluated: 2024-10-14. Review status: criteria provided, single submitter. Criteria: Invitae Variant Classification Sherloc (09022015). Collection method: clinical testing. Allele origin: germline.

PreventionGenetics, part of Exact Sciences
Classification: Likely benign for MKKS-related condition. Last evaluated: 2024-03-05. Review status: no assertion criteria provided. Collection method: clinical testing. Allele origin: germline. Not counted in ClinVar's aggregate classification.
Comment: This variant is classified as likely benign based on ACMG/AMP sequence variant interpretation guidelines (Richards et al. 2015 PMID: 25741868, with internal and published modifications).